The following is an entry in ClinVar:

NM_000059.4(BRCA2):c.5001A>C (p.Ser1667=)

Gene: BRCA2 (BRCA2 DNA repair associated; plus strand). Cytogenetic location: 13q13.1.
Variant type: single nucleotide variant.
Coding change: c.5001A>C on transcript NM_000059.4 (MANE Select); coding-DNA position 5001, A replaced by C.
Protein change: p.Ser1667=; no amino-acid change (serine 1667 retained).
Molecular consequence: synonymous variant.
Genome position (GRCh38, 1-based): chr13:32,339,356, A>C. VCF-style: chr13-32339356-A-C. GRCh37 (hg19) VCF-style: chr13-32913493-A-C.
Identifiers: ClinVar variation 1156968 (VCV001156968.10), dbSNP rs28897732, ClinGen allele CA247508843.

ClinVar aggregate classification (germline): Likely benign. Review status: criteria provided, multiple submitters, no conflicts (2 of 4 stars). 2 submissions from 2 submitters: Likely benign (2). Last evaluated 2025-11-05.

Conditions:
Breast-ovarian cancer, familial, susceptibility to, 2 (BROVCA2). Also called: BRCA2 Hereditary Breast and Ovarian Cancer. Identifiers: Orphanet 145, MedGen C2675520, MONDO:0012933, OMIM 612555. Disease mechanism: loss of function.
Hereditary breast ovarian cancer syndrome. Also called: Hereditary breast and ovarian cancer syndrome (HBOC); Breast and ovarian cancer; BRCA1- and BRCA2-Associated Hereditary Breast and Ovarian Cancer; Hereditary breast and/or ovarian cancer syndrome; Hereditary breast and ovarian cancer syndrome; Hereditary breast and ovarian cancer. Identifiers: Orphanet 145, MedGen C0677776, MeSH D061325, MONDO:0003582. Disease mechanism: loss of function.

Allele frequency attached by ClinVar (database versions not stated): gnomAD exomes 0.00001.
gnomAD v4.1: 9 of 1,588,948 alleles (0.00057%); highest among the groups gnomAD compares: Non-Finnish European, 0.00077%; no homozygotes.

Submissions (2):

Labcorp Genetics (formerly Invitae), Labcorp
Classification: Likely benign for Hereditary breast ovarian cancer syndrome. Last evaluated: 2025-11-05. Review status: criteria provided, single submitter. Criteria: Invitae Variant Classification Sherloc (09022015). Collection method: clinical testing. Allele origin: germline.

All of Us Research Program, National Institutes of Health
Classification: Likely benign for Breast-ovarian cancer, familial, susceptibility to, 2. Last evaluated: 2023-12-13. Review status: criteria provided, single submitter. Criteria: ACMG Guidelines, 2015. Collection method: clinical testing. Allele origin: germline. Inheritance: Autosomal dominant inheritance. Observed: 1 variant allele, 1 heterozygote.
Comment: This study involves interpretation of variants in research participants for the purpose of population health screening. Participant phenotype was not available at the time of variant classification. Additional details can be found in publication PMID: 35346344, PMCID: PMC8962531